The following is an entry in ClinVar:

ClinVar aggregate classification (germline): Likely pathogenic. Review status: criteria provided, multiple submitters, no conflicts (2 of 4 stars). 2 submissions from 2 submitters: Likely pathogenic (2). Last evaluated 2024-08-20.

Conditions:
Athabaskan severe combined immunodeficiency (SCIDA). Also called: Severe combined immunodeficiency, athabascan-type. Identifiers: MedGen C1865370.
Histiocytic medullary reticulosis. Also called: SEVERE COMBINED IMMUNODEFICIENCY WITH HYPEREOSINOPHILIA; Omenn syndrome. Identifiers: Orphanet 39041, MedGen C2700553, MONDO:0011338, OMIM 603554.

Submissions (2):

Natera, Inc.
Classification: Likely pathogenic for Athabascan severe combined immunodeficiency. Last evaluated: 2024-08-20. Review status: criteria provided, single submitter. Criteria: Natera Variant Classification Schema (03/2026). Collection method: clinical testing. Allele origin: germline.
Comment: The c.928_929dup variant in DCLRE1C is a frameshift variant predicted to shift the reading frame beginning at codon 310 and leads to a stop codon 21 codons downstream. This variant is expected to result in nonsense mediated decay, truncation, or a dysfunctional protein product. This variant is rare in the general population with a frequency below the threshold expected for the associated phenotype(s). Given the available evidence, this variant is classified as Likely Pathogenic.

Baylor Genetics
Classification: Likely pathogenic for Histiocytic medullary reticulosis. Last evaluated: 2024-03-20. Review status: criteria provided, single submitter. Criteria: ACMG Guidelines, 2015. Collection method: clinical testing. Allele origin: unknown.

NM_001033855.3(DCLRE1C):c.928_929dup (p.Ser310fs)

Gene: DCLRE1C (DNA cross-link repair 1C; minus strand). Cytogenetic location: 10p13.
Variant type: Microsatellite.
Coding change: c.928_929dup on transcript NM_001033855.3 (MANE Select); coding-DNA positions 928 to 929, 2 bases duplicated (AG; older notation c.928_929dupAG).
Protein change: p.Ser310fs; shifts the reading frame from serine 310.
Molecular consequence: frameshift variant. On other transcripts: non-coding transcript variant (3).
Genome position (GRCh38, 1-based): chr10:14,926,886-14,926,887, CT duplicated on the plus strand (AG on the coding strand, the reverse complement: DCLRE1C is on the minus strand); duplicating any 2 consecutive bases within chr10:14,926,886-14,926,892 gives the same sequence; the c. name uses the placement nearest the transcript's 3' end. VCF-style (leftmost placement, unchanged base first): chr10-14926885-A-ACT. GRCh37 (hg19) VCF-style: chr10-14968884-A-ACT.
Other names: c.583_584dup, p.Ser195fs (NM_001289078.2, NM_001350966.2, NM_022487.4 and 1 more transcripts); c.568_569dup, p.Ser190fs (NM_001289079.2, NM_001350967.2, NM_001033857.3 and 2 more transcripts); c.928_929dup, p.Ser310fs (NM_001350965.2); c.928_929dup (NM_001033855.2); short protein forms S190fs, S195fs, S310fs.
Identifiers: ClinVar variation 3241280 (VCV003241280.2), dbSNP rs1564414831.